The following is an entry in ClinVar:

NM_000535.7(PMS2):c.23+3G>T

Gene: PMS2 (PMS1 homolog 2, mismatch repair system component; minus strand). Cytogenetic location: 7p22.1.
Variant type: single nucleotide variant.
Coding change: c.23+3G>T on transcript NM_000535.7 (MANE Select); 3 bases into the intron after coding-DNA position 23, G replaced by T.
Molecular consequence: intron variant. On other transcripts: 5 prime UTR variant (2).
Genome position (GRCh38, 1-based): chr7:6,008,994, C>A on the plus strand (G>T on the coding strand, the complement: PMS2 is on the minus strand). VCF-style: chr7-6008994-C-A. GRCh37 (hg19) VCF-style: chr7-6048625-C-A.
Other names: c.-570G>T (NM_001322005.2); c.-565G>T (NM_001322009.2); c.-53+3G>T (NM_001322008.2); c.-243+3G>T (NM_001322010.2, NM_001322004.2); c.-378+3G>T (NM_001322013.2, NM_001322003.2); c.-857+3G>T (NM_001322012.2); c.-457+3G>T (NM_001322015.2); c.-193+3G>T (NM_001322007.2); and 2 more.
Identifiers: ClinVar variation 1338506 (VCV001338506.12), dbSNP rs1408475000, ClinGen allele CA572550006.

ClinVar aggregate classification (germline): Uncertain significance. Review status: criteria provided, multiple submitters, no conflicts (2 of 4 stars). 3 submissions from 3 submitters: Uncertain significance (3). Last evaluated 2022-07-29.

Conditions:
Hereditary nonpolyposis colorectal neoplasms. Identifiers: MedGen C0009405, MeSH D003123.

Allele frequency attached by ClinVar (database versions not stated): gnomAD exomes below 0.00001.
gnomAD v4.1: 1 of 1,612,690 alleles (0.000062%); highest among the groups gnomAD compares: Admixed American, 0.0017%; no homozygotes.

Submissions (3):

GeneDx
Classification: Uncertain significance. Last evaluated: 2022-07-29. Review status: criteria provided, single submitter. Criteria: GeneDx Variant Classification Process June 2021. Collection method: clinical testing. Allele origin: germline. Affected: yes.
Comment: Not observed at significant frequency in large population cohorts (gnomAD); In silico analysis supports that this variant does not alter splicing; Has not been previously published as pathogenic or benign to our knowledge

Labcorp Genetics (formerly Invitae), Labcorp
Classification: Uncertain significance for Hereditary nonpolyposis colorectal neoplasms. Last evaluated: 2021-07-29. Review status: criteria provided, single submitter. Criteria: Invitae Variant Classification Sherloc (09022015). Collection method: clinical testing. Allele origin: germline.
Comment: In summary, the available evidence is currently insufficient to determine the role of this variant in disease. Therefore, it has been classified as a Variant of Uncertain Significance. Nucleotide substitutions within the consensus splice site are a relatively common cause of aberrant splicing (PMID: 17576681, 9536098). Algorithms developed to predict the effect of sequence changes on RNA splicing suggest that this variant may disrupt the consensus splice site. This variant has not been reported in the literature in individuals affected with PMS2-related conditions. This variant is not present in population databases (ExAC no frequency). This sequence change falls in intron 1 of the PMS2 gene. It does not directly change the encoded amino acid sequence of the PMS2 protein. It affects a nucleotide within the consensus splice site of the intron.

Genetic Services Laboratory, University of Chicago
Classification: Uncertain significance. Last evaluated: 2019-04-25. Review status: criteria provided, single submitter. Criteria: ACMG Guidelines, 2015. Collection method: clinical testing. Allele origin: germline. Affected: no.

Literature cited by the submitters: PubMed 17576681 (cited by Labcorp Genetics (formerly Invitae), Labcorp); PubMed 9536098 (cited by Labcorp Genetics (formerly Invitae), Labcorp).